The following is an entry in ClinVar:

ClinVar aggregate classification (germline): Uncertain significance (0 of 4 stars; one submission).

Conditions:
Prostate cancer. Also called: Malignant tumor of prostate. Identifiers: Orphanet 1331, MedGen C0376358, MONDO:0008315, HP:0012125.

Submission:

Science for Life laboratory,  Karolinska Institutet
Classification: Uncertain significance for Malignant tumor of prostate. Review status: no assertion criteria provided. Collection method: not provided. Allele origin: somatic.
Comment: TumorID:SWE-4
ClinVar note: Converted during submission from Unknown to Uncertain significance.

NM_002802.3(PSMC1):c.279+8G>A

Gene: PSMC1 (proteasome 26S subunit, ATPase 1; plus strand). Cytogenetic location: 14q32.11.
Variant type: single nucleotide variant.
Coding change: c.279+8G>A on transcript NM_002802.3 (MANE Select); 8 bases into the intron after coding-DNA position 279, G replaced by A.
Molecular consequence: intron variant.
Genome position (GRCh38, 1-based): chr14:90,263,450, G>A. VCF-style: chr14-90263450-G-A. GRCh37 (hg19) VCF-style: chr14-90729794-G-A.
Other names: c.60+8G>A (NM_001330212.2).
Identifiers: ClinVar variation 161600 (VCV000161600.2), dbSNP rs193920988, ClinGen allele CA174426.
Genomic context (GRCh38, chr14:90,263,450, plus strand): 5'-AAGAATTCATTAGAAATCAGGAACAAATGAAACCATTAGAAGAAAAGCAAGAGGTAAGTT[G>A]AAAAGTTACTATCATTTTCTTTTTTACAAATTGAATTCTATAAAATTGTCAACAAATAAA-3'